The following is an entry in ClinVar:

ClinVar aggregate classification (germline): Uncertain significance (1 of 4 stars; one submission).

Allele frequency attached by ClinVar (database versions not stated): gnomAD 0.00001; TOPMed 0.00002; ExAC 0.00003.
gnomAD v4.1: 10 of 1,613,726 alleles (0.00062%); highest among the groups gnomAD compares: Middle Eastern, 0.016%; no homozygotes.

Submission:

Labcorp Genetics (formerly Invitae), Labcorp
Classification: Uncertain significance. Last evaluated: 2025-02-23. Review status: criteria provided, single submitter. Criteria: Invitae Variant Classification Sherloc (09022015). Collection method: clinical testing. Allele origin: germline.
Comment: This sequence change replaces glutamic acid, which is acidic and polar, with lysine, which is basic and polar, at codon 49 of the ATP6V1A protein (p.Glu49Lys). This variant is present in population databases (rs778431937, gnomAD 0.004%). This variant has not been reported in the literature in individuals affected with ATP6V1A-related conditions. ClinVar contains an entry for this variant (Variation ID: 1953001). Invitae Evidence Modeling of protein sequence and biophysical properties (such as structural, functional, and spatial information, amino acid conservation, physicochemical variation, residue mobility, and thermodynamic stability) indicates that this missense variant is not expected to disrupt ATP6V1A protein function with a negative predictive value of 80%. In summary, the available evidence is currently insufficient to determine the role of this variant in disease. Therefore, it has been classified as a Variant of Uncertain Significance.

NM_001690.4(ATP6V1A):c.145G>A (p.Glu49Lys)

Gene: ATP6V1A (ATPase H+ transporting V1 subunit A; plus strand). Cytogenetic location: 3q13.31.
Variant type: single nucleotide variant.
Coding change: c.145G>A on transcript NM_001690.4 (MANE Select); coding-DNA position 145, G replaced by A.
Protein change: p.Glu49Lys; replaces glutamic acid 49 with lysine.
Molecular consequence: missense variant.
Genome position (GRCh38, 1-based): chr3:113,781,112, G>A. VCF-style: chr3-113781112-G-A. GRCh37 (hg19) VCF-style: chr3-113499959-G-A.
Other names: short protein forms E49K.
Identifiers: ClinVar variation 1953001 (VCV001953001.5), dbSNP rs778431937, ClinGen allele CA2547770.
Genomic context (GRCh38, chr3:113,781,112, plus strand): 5'-GTTACAGCCTGTGACATGGCGGGTGCAGCCATGTATGAGCTGGTGAGAGTGGGCCACAGC[G>A]AATTGGTTGGAGAGATTATTCGATTGGAGGGTGACATGGCTACTATTCAGGTGTATGAAG-3'
Protein context (NP_001681.2, residues 39-59): MYELVRVGHS[Glu49Lys]LVGEIIRLEG